The following is an entry in ClinVar:

NM_000186.4(CFH):c.1480T>C (p.Cys494Arg)

Gene: CFH (complement factor H; plus strand). Cytogenetic location: 1q31.3.
Variant type: single nucleotide variant.
Coding change: c.1480T>C on transcript NM_000186.4 (MANE Select); coding-DNA position 1480, T replaced by C.
Protein change: p.Cys494Arg; replaces cysteine 494 with arginine.
Molecular consequence: missense variant.
Genome position (GRCh38, 1-based): chr1:196,713,878, T>C. VCF-style: chr1-196713878-T-C. GRCh37 (hg19) VCF-style: chr1-196683008-T-C.
Other names: short protein forms C494R.
Identifiers: ClinVar variation 4291396 (VCV004291396.2).

ClinVar aggregate classification (germline): Uncertain significance (1 of 4 stars; one submission).

Conditions:
Factor H deficiency (CFHD). Also called: COMPLEMENT FACTOR H DEFICIENCY; CFH DEFICIENCY. Identifiers: Orphanet 200421, MedGen C0398777, MONDO:0012350, OMIM 609814.

gnomAD v4.1: 1 of 1,612,792 alleles (0.000062%); highest among the groups gnomAD compares: Non-Finnish European, 0.000085%; no homozygotes.

Submission:

Genomenon, Inc
Classification: Uncertain significance for Factor H deficiency. Last evaluated: 2026-09-17. Review status: criteria provided, single submitter. Criteria: Genomenon Sequence Variant Interpretation Standards - Updated. Collection method: curation. Allele origin: germline. Affected: yes.
Comment: CFH p.Cys494Arg (c.1480T>C) is a missense variant that changes the amino acid at codon 494 from cysteine to arginine. This variant has been observed in at least one proband affected with complement factor H deficiency (PMID: 34211499). It is absent or not present at a significant frequency in gnomAD. In silico models predict that this variant is possibly or probably damaging. In conclusion, we classify CFH p.Cys494Arg (c.1480T>C) as a variant of uncertain significance.

Literature cited by the submitters: PubMed 34211499.